The following is an entry in ClinVar:

ClinVar aggregate classification (germline): Benign (1 of 4 stars; one submission).

Conditions:
Intellectual developmental disorder, X-linked 93. Also called: MENTAL RETARDATION, X-LINKED, WITH MACROCEPHALY; Intellectual disability, X-linked 93. Identifiers: MedGen C1970841, MONDO:0010393, OMIM 300659.

Allele frequency attached by ClinVar (database versions not stated): gnomAD 0.00134 and 0.00130; TOPMed 0.00169; 1000 Genomes Project 30x 0.00125; 1000 Genomes Project 0.00132.

Submission:

Illumina Laboratory Services, Illumina
Classification: Benign for Intellectual developmental disorder, X-linked 93. Last evaluated: 2018-01-12. Review status: criteria provided, single submitter. Criteria: ICSL Variant Classification Criteria 13 December 2019. Collection method: clinical testing. Allele origin: germline.
Comment: This variant was observed in the ICSL laboratory as part of a predisposition screen in an ostensibly healthy population. It had not been previously curated by ICSL or reported in the Human Gene Mutation Database (HGMD: prior to June 1st, 2018), and was therefore a candidate for classification through an automated scoring system. Utilizing variant allele frequency, disease prevalence and penetrance estimates, and inheritance mode, an automated score was calculated to assess if this variant is too frequent to cause the disease. Based on the score and internal cut-off values, a variant classified as benign is not then subjected to further curation. The score for this variant resulted in a classification of benign for this disease.

NM_153252.5(BRWD3):c.*5333G>T

Gene: BRWD3 (bromodomain and WD repeat domain containing 3; minus strand). Cytogenetic location: Xq21.1.
Variant type: single nucleotide variant.
Coding change: c.*5333G>T on transcript NM_153252.5 (MANE Select); 5333 bases downstream of the stop codon, G replaced by T.
Molecular consequence: 3 prime UTR variant.
Genome position (GRCh38, 1-based): chrX:80,671,276, C>A on the plus strand (G>T on the coding strand, the complement: BRWD3 is on the minus strand). VCF-style: chrX-80671276-C-A. GRCh37 (hg19) VCF-style: chrX-79926775-C-A.
Identifiers: ClinVar variation 368692 (VCV000368692.5), dbSNP rs180875963, ClinGen allele CA10646398.